The following is an entry in ClinVar:

NM_001005242.3(PKP2):c.377G>A (p.Gly126Glu)

Gene: PKP2 (plakophilin 2; minus strand). Cytogenetic location: 12p11.21.
Variant type: single nucleotide variant.
Coding change: c.377G>A on transcript NM_001005242.3 (MANE Select); coding-DNA position 377, G replaced by A.
Protein change: p.Gly126Glu; replaces glycine 126 with glutamic acid.
Molecular consequence: missense variant.
Genome position (GRCh38, 1-based): chr12:32,878,503, C>T on the plus strand (G>A on the coding strand, the complement: PKP2 is on the minus strand). VCF-style: chr12-32878503-C-T. GRCh37 (hg19) VCF-style: chr12-33031437-C-T.
Other names: c.377G>A, p.Gly126Glu (NM_004572.4); short protein forms G126E.
Identifiers: ClinVar variation 1172061 (VCV001172061.3), dbSNP rs2137951017, ClinGen allele CA384365437.

ClinVar aggregate classification (germline): Uncertain significance (1 of 4 stars; one submission).

Conditions:
Cardiomyopathy (CMYO). Also called: Cardiomyopathies. Identifiers: Orphanet 167848, MedGen C0878544, MONDO:0004994, HP:0001638. Inheritance: Various modes of inheritance.

Allele frequency attached by ClinVar (database versions not stated): gnomAD exomes below 0.00001.

Submission:

Color Diagnostics, LLC DBA Color Health
Classification: Uncertain significance for Cardiomyopathy. Last evaluated: 2024-03-06. Review status: criteria provided, single submitter. Criteria: ACMG Guidelines, 2015. Collection method: clinical testing. Allele origin: germline.
Comment: This missense variant replaces glycine with glutamic acid at codon 126 of the PKP2 protein. Computational prediction suggests that this variant may not impact protein structure and function (internally defined REVEL score threshold <= 0.5, PMID: 27666373). To our knowledge, functional studies have not been reported for this variant. This variant has not been reported in individuals affected with cardiovascular disorders in the literature. This variant has not been identified in the general population by the Genome Aggregation Database (gnomAD). The available evidence is insufficient to determine the role of this variant in disease conclusively. Therefore, this variant is classified as a Variant of Uncertain Significance.